The following is an entry in ClinVar:

ClinVar aggregate classification (germline): Uncertain significance (1 of 4 stars; one submission).

Submission:

Labcorp Genetics (formerly Invitae), Labcorp
Classification: Uncertain significance. Last evaluated: 2023-08-18. Review status: criteria provided, single submitter. Criteria: Invitae Variant Classification Sherloc (09022015). Collection method: clinical testing. Allele origin: germline.
Comment: This variant has not been reported in the literature in individuals affected with CACNA1D-related conditions. This variant is present in population databases (rs759256301, gnomAD 0.0009%). This variant, c.1364_1366del, results in the deletion of 1 amino acid(s) of the CACNA1D protein (p.Glu455del), but otherwise preserves the integrity of the reading frame. Experimental studies and prediction algorithms are not available or were not evaluated, and the functional significance of this variant is currently unknown. In summary, the available evidence is currently insufficient to determine the role of this variant in disease. Therefore, it has been classified as a Variant of Uncertain Significance.

NM_001128840.3(CACNA1D):c.1361AAG[1] (p.Glu455del)

Gene: CACNA1D (calcium voltage-gated channel subunit alpha1 D; plus strand). Cytogenetic location: 3p21.1.
Variant type: Microsatellite.
Coding change: c.1361AAG[1] on transcript NM_001128840.3 (MANE Select); one copy of the 3-base unit AAG starting at c.1361; the reference has two copies in a row; one copy, 3 bases deleted.
Protein change: p.Glu455del; deletes glutamic acid 455.
Molecular consequence: inframe deletion.
Genome position (GRCh38, 1-based): chr3:53,702,784-53,702,786, AAG deleted; deleting any 3 consecutive bases within chr3:53,702,780-53,702,786 gives the same sequence; the position shown is the placement nearest the transcript's 3' end. VCF-style (leftmost placement, unchanged base first): chr3-53702779-GGAA-G. GRCh37 (hg19) VCF-style: chr3-53736806-GGAA-G.
Other names: c.1361AAG[1], p.Glu455del (NM_000720.4, NM_001128839.3); short protein forms E455del.
Identifiers: ClinVar variation 3001763 (VCV003001763.3), dbSNP rs759256301, ClinGen allele CA2453897.